The following is an entry in ClinVar:

ClinVar aggregate classification (germline): Benign/Likely benign. Review status: criteria provided, multiple submitters, no conflicts (2 of 4 stars). 3 submissions from 3 submitters: Benign (1); Likely benign (2). Last evaluated 2026-02-01.

Allele frequency attached by ClinVar (database versions not stated): gnomAD 0.00010 and 0.00015; TOPMed 0.00015; ExAC 0.00027; 1000 Genomes Project 0.00180; 1000 Genomes Project 30x 0.00187.

Submissions (3):

CeGaT Center for Human Genetics Tuebingen
Classification: Likely benign. Last evaluated: 2026-02-01. Review status: criteria provided, single submitter. Criteria: CeGaT Center For Human Genetics Tuebingen Variant Classification Criteria Version 2. Collection method: clinical testing. Allele origin: germline. Affected: yes. Observed: 1 variant allele.
Comment: TNFAIP3: BS1

Labcorp Genetics (formerly Invitae), Labcorp
Classification: Benign. Last evaluated: 2026-01-26. Review status: criteria provided, single submitter. Criteria: Invitae Variant Classification Sherloc (09022015). Collection method: clinical testing. Allele origin: germline.

Blueprint Genetics
Classification: Likely benign. Last evaluated: 2024-10-03. Review status: criteria provided, single submitter. Criteria: ACMG Guidelines, 2015. Collection method: clinical testing. Allele origin: germline.

NM_001270508.2(TNFAIP3):c.1398C>G (p.Ser466Arg)

Gene: TNFAIP3 (TNF alpha induced protein 3; plus strand). Cytogenetic location: 6q23.3.
Variant type: single nucleotide variant.
Coding change: c.1398C>G on transcript NM_001270508.2 (MANE Select); coding-DNA position 1398, C replaced by G.
Protein change: p.Ser466Arg; replaces serine 466 with arginine.
Molecular consequence: missense variant.
Genome position (GRCh38, 1-based): chr6:137,878,843, C>G. VCF-style: chr6-137878843-C-G. GRCh37 (hg19) VCF-style: chr6-138199980-C-G.
Other names: c.1398C>G, p.Ser466Arg (NM_001270507.2, NM_006290.4); short protein forms S466R.
Identifiers: ClinVar variation 1655577 (VCV001655577.13), dbSNP rs200878487, ClinGen allele CA4019638.
Genomic context (GRCh38, chr6:137,878,843, plus strand): 5'-GGCGTGGAACCCTGAGGAGTCCACTGGGGGGCCTCATTCGGCCCCACCGACAGCACCCAG[C>G]CCTTTTCTGTTCAGTGAGACCACTGCCATGAAGTGCAGGAGCCCCGGCTGCCCCTTCACA-3'
Protein context (NP_001257437.1, residues 456-476): GPHSAPPTAP[Ser466Arg]PFLFSETTAM